The following is an entry in ClinVar:

ClinVar aggregate classification (germline): Pathogenic. Review status: criteria provided, multiple submitters, no conflicts (2 of 4 stars). 2 submissions from 2 submitters: Pathogenic (2). Last evaluated 2022-10-12.

Conditions:
Inborn genetic diseases. Identifiers: MedGen C0950123, MeSH D030342.

Submissions (2):

Labcorp Genetics (formerly Invitae), Labcorp
Classification: Pathogenic. Last evaluated: 2022-10-12. Review status: criteria provided, single submitter. Criteria: Invitae Variant Classification Sherloc (09022015). Collection method: clinical testing. Allele origin: germline.
Comment: This sequence change creates a premature translational stop signal (p.Gly231Glufs*12) in the HERC1 gene. It is expected to result in an absent or disrupted protein product. Loss-of-function variants in HERC1 are known to be pathogenic (PMID: 26138117, 26153217, 27108999). This variant is not present in population databases (gnomAD no frequency). This variant has not been reported in the literature in individuals affected with HERC1-related conditions. ClinVar contains an entry for this variant (Variation ID: 985585). For these reasons, this variant has been classified as Pathogenic.

Ambry Genetics
Classification: Pathogenic for Inborn genetic diseases. Last evaluated: 2020-02-25. Review status: criteria provided, single submitter. Criteria: Ambry Variant Classification Scheme 2023. Collection method: clinical testing. Allele origin: germline.
Comment: The alteration results in a premature stop codon:_x000D_ _x000D_ The c.681delA (p.G231Efs*12) alteration, located in coding exon 1 of the HERC1 gene, results from a deletion of one nucleotide at position 681, causing a translational frameshift with a predicted alternate stop codon after 12 amino acids. This alteration is expected to result in loss of function by premature protein truncation or nonsense-mediated mRNA decay. The alteration is not observed in population databases: _x000D_ _x000D_ Based on data from the Genome Aggregation Database (gnomAD), the HERC c.681delA alteration was not observed, with coverage at this position. Based on the available evidence, this alteration is classified as pathogenic.

Literature cited by the submitters: PubMed 26138117 (cited by Labcorp Genetics (formerly Invitae), Labcorp); PubMed 26153217 (cited by Labcorp Genetics (formerly Invitae), Labcorp); PubMed 27108999 (cited by Labcorp Genetics (formerly Invitae), Labcorp).

NM_003922.4(HERC1):c.681del (p.Gly231fs)

Gene: HERC1 (HECT and RLD domain containing E3 ubiquitin protein ligase family member 1; minus strand). Cytogenetic location: 15q22.31.
Variant type: Deletion.
Coding change: c.681del on transcript NM_003922.4 (MANE Select); coding-DNA position 681, one base deleted (A; older notation c.681delA).
Protein change: p.Gly231fs; shifts the reading frame from glycine 231.
Molecular consequence: frameshift variant.
Genome position (GRCh38, 1-based): chr15:63,774,943, T deleted on the plus strand (A on the coding strand, the reverse complement: HERC1 is on the minus strand). VCF-style (leftmost placement, unchanged base first): chr15-63774942-AT-A. GRCh37 (hg19) VCF-style: chr15-64067141-AT-A.
Other names: short protein forms G231fs.
Identifiers: ClinVar variation 985585 (VCV000985585.7), dbSNP rs2076073941, ClinGen allele CA1139664026.